The following is an entry in ClinVar:

ClinVar aggregate classification (germline): Likely benign. Review status: criteria provided, multiple submitters, no conflicts (2 of 4 stars). 3 submissions from 3 submitters: Likely benign (2). 1 of the submissions does not count toward it. Last evaluated 2026-01-19.

Conditions:
BBS12-related disorder. Also called: BBS12-related condition.
Bardet-Biedl syndrome (BBS). Identifiers: Orphanet 110, MedGen C0752166, MONDO:0015229.

Allele frequency attached by ClinVar (database versions not stated): gnomAD 0.00002; TOPMed 0.00002; gnomAD exomes 0.00003 and 0.00007; ESP Exome Variant Server 0.00008; ExAC 0.00014.
gnomAD v4.1: 53 of 1,613,498 alleles (0.0033%); highest among the groups gnomAD compares: South Asian, 0.0077%; no homozygotes.

Submissions (3):

Labcorp Genetics (formerly Invitae), Labcorp
Classification: Likely benign for Bardet-Biedl syndrome. Last evaluated: 2026-01-19. Review status: criteria provided, single submitter. Criteria: Invitae Variant Classification Sherloc (09022015). Collection method: clinical testing. Allele origin: germline.

Blueprint Genetics
Classification: Likely benign. Last evaluated: 2021-11-01. Review status: criteria provided, single submitter. Criteria: ACMG Guidelines, 2015. Collection method: clinical testing. Allele origin: germline.

PreventionGenetics, part of Exact Sciences
Classification: Likely benign for BBS12-related condition. Last evaluated: 2020-09-14. Review status: no assertion criteria provided. Collection method: clinical testing. Allele origin: germline. Not counted in ClinVar's aggregate classification.
Comment: This variant is classified as likely benign based on ACMG/AMP sequence variant interpretation guidelines (Richards et al. 2015 PMID: 25741868, with internal and published modifications).

NM_152618.3(BBS12):c.66C>T (p.Phe22=)

Gene: BBS12 (Bardet-Biedl syndrome 12; plus strand). Cytogenetic location: 4q27.
Variant type: single nucleotide variant.
Coding change: c.66C>T on transcript NM_152618.3 (MANE Select); coding-DNA position 66, C replaced by T.
Protein change: p.Phe22=; no amino-acid change (phenylalanine 22 retained).
Molecular consequence: synonymous variant.
Genome position (GRCh38, 1-based): chr4:122,741,958, C>T. VCF-style: chr4-122741958-C-T. GRCh37 (hg19) VCF-style: chr4-123663113-C-T.
Other names: c.66C>T, p.Phe22= (NM_001178007.2).
Identifiers: ClinVar variation 462964 (VCV000462964.12), dbSNP rs150546366, ClinGen allele CA3069232.